The following is an entry in ClinVar:

NM_001943.5(DSG2):c.2087T>G (p.Met696Arg)

Genes: DSG2 (desmoglein 2; plus strand), DSG2-AS1 (DSG2 antisense RNA 1; minus strand). Cytogenetic location: 18q12.1.
Variant type: single nucleotide variant.
Coding change: c.2087T>G on transcript NM_001943.5 (MANE Select); coding-DNA position 2087, T replaced by G.
Protein change: p.Met696Arg; replaces methionine 696 with arginine.
Molecular consequence: missense variant.
Genome position (GRCh38, 1-based): chr18:31,542,605, T>G. VCF-style: chr18-31542605-T-G. GRCh37 (hg19) VCF-style: chr18-29122568-T-G.
Other names: short protein forms M696R.
Identifiers: ClinVar variation 1785655 (VCV001785655.2), dbSNP rs2073275454, ClinGen allele CA402141574.
Genomic context (GRCh38, chr18:31,542,605, plus strand): 5'-ATCAAGGGGGCAGTCTAGTAGGAAGAAATGGAGTAGGAGGTATGGCCAAGGAAGCCACGA[T>G]GAAAGGAAGTAGCTCTGCTTCCATTGTCAAAGGGCAACATGAGATGTCCGAGATGGATGG-3'
Protein context (NP_001934.2, residues 686-706): GVGGMAKEAT[Met696Arg]KGSSSASIVK

ClinVar aggregate classification (germline): Uncertain significance (1 of 4 stars; one submission).

Conditions:
Cardiovascular phenotype. Identifiers: MedGen CN230736.

gnomAD v4.1: 4 of 1,614,048 alleles (0.00025%); highest among the groups gnomAD compares: East Asian, 0.0089%; no homozygotes.

Submission:

Ambry Genetics
Classification: Uncertain significance for Cardiovascular phenotype. Last evaluated: 2022-09-24. Review status: criteria provided, single submitter. Criteria: Ambry Variant Classification Scheme 2023. Collection method: clinical testing. Allele origin: germline.
Comment: The p.M696R variant (also known as c.2087T>G), located in coding exon 14 of the DSG2 gene, results from a T to G substitution at nucleotide position 2087. The methionine at codon 696 is replaced by arginine, an amino acid with similar properties. This amino acid position is conserved. In addition, this alteration is predicted to be tolerated by in silico analysis. Since supporting evidence is limited at this time, the clinical significance of this alteration remains unclear.